The following is an entry in ClinVar:

ClinVar aggregate classification (germline): Uncertain significance (1 of 4 stars; one submission).

Conditions:
Neuropathy, hereditary sensory and autonomic, type 2A (HSAN2A). Also called: WNK1-Related HSAN2 (HSAN2A); HSAN IIA; ACROOSTEOLYSIS, GIACCAI TYPE; ACROOSTEOLYSIS, NEUROGENIC; MORVAN DISEASE; NEUROPATHY, CONGENITAL SENSORY. Identifiers: Orphanet 970, MedGen C2752089, MONDO:0024309, OMIM 201300.
Generalized epilepsy with febrile seizures plus, type 7 (GEFSP7). Also called: GEFS+, TYPE 7. Identifiers: Orphanet 36387, MedGen C2751778, MONDO:0013470, OMIM 613863.

Submission:

Labcorp Genetics (formerly Invitae), Labcorp
Classification: Uncertain significance for Neuropathy, hereditary sensory and autonomic, type 2A; Generalized epilepsy with febrile seizures plus, type 7. Last evaluated: 2022-12-06. Review status: criteria provided, single submitter. Criteria: Invitae Variant Classification Sherloc (09022015). Collection method: clinical testing. Allele origin: germline.
Comment: In summary, the available evidence is currently insufficient to determine the role of this variant in disease. Therefore, it has been classified as a Variant of Uncertain Significance. Advanced modeling of protein sequence and biophysical properties (such as structural, functional, and spatial information, amino acid conservation, physicochemical variation, residue mobility, and thermodynamic stability) performed at Invitae indicates that this missense variant is not expected to disrupt SCN9A protein function. ClinVar contains an entry for this variant (Variation ID: 1462886). This variant has not been reported in the literature in individuals affected with SCN9A-related conditions. This variant is not present in population databases (gnomAD no frequency). This sequence change replaces aspartic acid, which is acidic and polar, with asparagine, which is neutral and polar, at codon 667 of the SCN9A protein (p.Asp667Asn).

NM_001365536.1(SCN9A):c.2032G>A (p.Asp678Asn)

Genes: SCN9A (sodium voltage-gated channel alpha subunit 9; minus strand), SCN1A-AS1 (SCN1A and SCN9A antisense RNA 1; plus strand). Cytogenetic location: 2q24.3.
Variant type: single nucleotide variant.
Coding change: c.2032G>A on transcript NM_001365536.1 (MANE Select); coding-DNA position 2032, G replaced by A.
Protein change: p.Asp678Asn; replaces aspartic acid 678 with asparagine.
Molecular consequence: missense variant.
Genome position (GRCh38, 1-based): chr2:166,281,751, C>T on the plus strand (G>A on the coding strand, the complement: SCN9A is on the minus strand). VCF-style: chr2-166281751-C-T. GRCh37 (hg19) VCF-style: chr2-167138261-C-T.
Other names: c.1999G>A, p.Asp667Asn (NM_002977.4); short protein forms D667N, D678N.
Identifiers: ClinVar variation 1462886 (VCV001462886.6), dbSNP rs2106478408, ClinGen allele CA349081156.